The following is an entry in ClinVar:

ClinVar aggregate classification (germline): Uncertain significance (1 of 4 stars; one submission).

Conditions:
Inborn genetic diseases. Identifiers: MedGen C0950123, MeSH D030342.

Submission:

Ambry Genetics
Classification: Uncertain significance for Inborn genetic diseases. Last evaluated: 2026-03-30. Review status: criteria provided, single submitter. Criteria: Ambry Variant Classification Scheme 2023. Collection method: clinical testing. Allele origin: germline.
Comment: The p.R359G variant (also known as c.1075C>G), located in coding exon 10 of the DDX41 gene, results from a C to G substitution at nucleotide position 1075. The arginine at codon 359 is replaced by glycine, an amino acid with dissimilar properties. This amino acid position is highly conserved in available vertebrate species. In addition, the in silico prediction for this alteration is inconclusive. Based on the available evidence, the clinical significance of this variant remains unclear.

NM_016222.4(DDX41):c.1075C>G (p.Arg359Gly)

Gene: DDX41 (DEAD-box helicase 41; minus strand). Cytogenetic location: 5q35.3.
Variant type: single nucleotide variant.
Coding change: c.1075C>G on transcript NM_016222.4 (MANE Select); coding-DNA position 1075, C replaced by G.
Protein change: p.Arg359Gly; replaces arginine 359 with glycine.
Molecular consequence: missense variant.
Genome position (GRCh38, 1-based): chr5:177,513,708, G>C on the plus strand (C>G on the coding strand, the complement: DDX41 is on the minus strand). VCF-style: chr5-177513708-G-C. GRCh37 (hg19) VCF-style: chr5-176940709-G-C.
Other names: c.697C>G, p.Arg233Gly (NM_001321732.2, NM_001321830.2); short protein forms R233G, R359G.
Identifiers: ClinVar variation 4869619 (VCV004869619.1).